The following is an entry in ClinVar:

NM_144997.7(FLCN):c.1508G>A (p.Cys503Tyr)

Gene: FLCN (folliculin; minus strand). Cytogenetic location: 17p11.2.
Variant type: single nucleotide variant.
Coding change: c.1508G>A on transcript NM_144997.7 (MANE Select); coding-DNA position 1508, G replaced by A.
Protein change: p.Cys503Tyr; replaces cysteine 503 with tyrosine.
Molecular consequence: missense variant.
Genome position (GRCh38, 1-based): chr17:17,215,015, C>T on the plus strand (G>A on the coding strand, the complement: FLCN is on the minus strand). VCF-style: chr17-17215015-C-T. GRCh37 (hg19) VCF-style: chr17-17118329-C-T.
Other names: c.1562G>A, p.Cys521Tyr (NM_001353229.2); c.1508G>A, p.Cys503Tyr (NM_001353230.2, NM_001353231.2); short protein forms C503Y, C521Y.
Identifiers: ClinVar variation 3241642 (VCV003241642.2), dbSNP rs778904029.
Genomic context (GRCh38, chr17:17,215,015, plus strand): 5'-CAAAGGGGCCTCACCCACACTGTTGCTTACTTCATCCACTCCTCCTTGAGGCAGACGAGG[C>T]ACTGGTCCACCACATCCACAGACAGGTTCTGGTTGGTCAGAGCCGCTTCAATCTTATTCA-3'
Protein context (NP_659434.2, residues 493-513): QNLSVDVVDQ[Cys503Tyr]LVCLKEEWMN

ClinVar aggregate classification (germline): Uncertain significance. Review status: criteria provided, multiple submitters, no conflicts (2 of 4 stars). 2 submissions from 2 submitters: Uncertain significance (2). Last evaluated 2026-02-23.

Conditions:
Birt-Hogg-Dube syndrome 1 (BHD1). Also called: FIBROFOLLICULOMAS WITH TRICHODISCOMAS AND ACROCHORDONS. Identifiers: Orphanet 122, MedGen CN375946, MONDO:0800445, OMIM 135150.
Hereditary cancer-predisposing syndrome. Also called: Tumor predisposition; Hereditary Cancer Syndrome; Hereditary neoplastic syndrome; Neoplastic Syndromes, Hereditary. Identifiers: Orphanet 140162, MedGen C0027672, MeSH D009386, MONDO:0015356.

gnomAD v4.1: 1 of 1,614,190 alleles (0.000062%); highest among the groups gnomAD compares: Non-Finnish European, 0.000085%; no homozygotes.

Submissions (2):

Ambry Genetics
Classification: Uncertain significance for Hereditary cancer-predisposing syndrome. Last evaluated: 2026-02-23. Review status: criteria provided, single submitter. Criteria: Ambry Variant Classification Scheme 2023. Collection method: clinical testing. Allele origin: germline.
Comment: The p.C503Y variant (also known as c.1508G>A), located in coding exon 10 of the FLCN gene, results from a G to A substitution at nucleotide position 1508. The cysteine at codon 503 is replaced by tyrosine, an amino acid with highly dissimilar properties. This amino acid position is highly conserved in available vertebrate species. In addition, this alteration is predicted to be deleterious by in silico analysis. Based on the available evidence, the clinical significance of this variant remains unclear.

Baylor Genetics
Classification: Uncertain significance for Birt-Hogg-Dube syndrome 1. Last evaluated: 2023-11-16. Review status: criteria provided, single submitter. Criteria: ACMG Guidelines, 2015. Collection method: clinical testing. Allele origin: unknown.